The following is an entry in ClinVar:

ClinVar aggregate classification (germline): Benign. Review status: criteria provided, multiple submitters, no conflicts (2 of 4 stars). 5 submissions from 5 submitters: Benign (5). Last evaluated 2026-01-06.

Conditions:
Townes syndrome (TBS). Also called: Townes-Brocks syndrome. Identifiers: Orphanet 857, MedGen C0265246, MeSH C536974, MONDO:0007142.

Allele frequency attached by ClinVar (database versions not stated): ESP Exome Variant Server 0.00008; gnomAD 0.00023 and 0.00048; TOPMed 0.00031; gnomAD exomes 0.00079 and 0.00128; ExAC 0.00134; 1000 Genomes Project 30x 0.00234; 1000 Genomes Project 0.00260.
gnomAD v4.1: 1,231 of 1,614,100 alleles (0.076%); highest among the groups gnomAD compares: South Asian, 0.88%; 19 homozygotes.

Submissions (5):

Labcorp Genetics (formerly Invitae), Labcorp
Classification: Benign for Townes syndrome. Last evaluated: 2026-01-06. Review status: criteria provided, single submitter. Criteria: Invitae Variant Classification Sherloc (09022015). Collection method: clinical testing. Allele origin: germline.

CeGaT Center for Human Genetics Tuebingen
Classification: Benign. Last evaluated: 2023-11-01. Review status: criteria provided, single submitter. Criteria: CeGaT Center For Human Genetics Tuebingen Variant Classification Criteria Version 2. Collection method: clinical testing. Allele origin: germline. Affected: yes. Observed: 2 variant alleles.
Comment: SALL1: BP4, BP7, BS1, BS2

GeneDx
Classification: Benign. Last evaluated: 2020-07-08. Review status: criteria provided, single submitter. Criteria: GeneDx Variant Classification Process June 2021. Collection method: clinical testing. Allele origin: germline. Affected: yes.
Comment: This variant is associated with the following publications: (PMID: 16892410, 11102974, 10819639)

Eurofins Ntd Llc (ga)
Classification: Benign. Last evaluated: 2016-05-12. Review status: criteria provided, single submitter. Criteria: EGL Classification Definitions 2015. Collection method: clinical testing. Allele origin: germline. Observed: 1 variant allele, 1 heterozygote.

Breakthrough Genomics
Classification: Benign. Review status: criteria provided, single submitter. Criteria: ACMG Guidelines, 2015. Collection method: not provided. Allele origin: germline. Inheritance: Autosomal dominant inheritance. Affected: yes.

NM_002968.3(SALL1):c.3915C>T (p.Asn1305=)

Gene: SALL1 (spalt like transcription factor 1; minus strand). Cytogenetic location: 16q12.1.
Variant type: single nucleotide variant.
Coding change: c.3915C>T on transcript NM_002968.3 (MANE Select); coding-DNA position 3915, C replaced by T.
Protein change: p.Asn1305=; no amino-acid change (asparagine 1305 retained).
Molecular consequence: synonymous variant.
Genome position (GRCh38, 1-based): chr16:51,137,172, G>A on the plus strand (C>T on the coding strand, the complement: SALL1 is on the minus strand). VCF-style: chr16-51137172-G-A. GRCh37 (hg19) VCF-style: chr16-51171083-G-A.
Other names: c.3624C>T, p.Asn1208= (NM_001127892.2).
Identifiers: ClinVar variation 287591 (VCV000287591.44), dbSNP rs140524372, ClinGen allele CA8052809.